The following is an entry in ClinVar:

NM_001374259.2(IL12RB2):c.401A>G (p.Gln134Arg)

Gene: IL12RB2 (interleukin 12 receptor subunit beta 2; plus strand). Cytogenetic location: 1p31.3.
Variant type: single nucleotide variant.
Coding change: c.401A>G on transcript NM_001374259.2 (MANE Select); coding-DNA position 401, A replaced by G.
Protein change: p.Gln134Arg; replaces glutamine 134 with arginine.
Molecular consequence: missense variant. On other transcripts: non-coding transcript variant (2).
Genome position (GRCh38, 1-based): chr1:67,326,771, A>G. VCF-style: chr1-67326771-A-G. GRCh37 (hg19) VCF-style: chr1-67792454-A-G.
Other names: c.401A>G, p.Gln134Arg (NM_001559.3, NM_001258214.1, NM_001258215.1 and 2 more transcripts); short protein forms Q134R.
Identifiers: ClinVar variation 3680035 (VCV003680035.2).

ClinVar aggregate classification (germline): Uncertain significance (1 of 4 stars; one submission).

Submission:

Labcorp Genetics (formerly Invitae), Labcorp
Classification: Uncertain significance. Last evaluated: 2024-06-25. Review status: criteria provided, single submitter. Criteria: Invitae Variant Classification Sherloc (09022015). Collection method: clinical testing. Allele origin: germline.
Comment: This sequence change replaces glutamine, which is neutral and polar, with arginine, which is basic and polar, at codon 134 of the IL12RB2 protein (p.Gln134Arg). This variant is present in population databases (rs770021180, gnomAD 0.003%). This variant has not been reported in the literature in individuals affected with IL12RB2-related conditions. An algorithm developed to predict the effect of missense changes on protein structure and function (PolyPhen-2) suggests that this variant is likely to be disruptive. In summary, the available evidence is currently insufficient to determine the role of this variant in disease. Therefore, it has been classified as a Variant of Uncertain Significance.